The following is an entry in ClinVar:

ClinVar aggregate classification (germline): Pathogenic (1 of 4 stars; one submission).

Conditions:
Hereditary cancer-predisposing syndrome. Also called: Neoplastic Syndromes, Hereditary; Tumor predisposition; Hereditary Cancer Syndrome; Hereditary neoplastic syndrome. Identifiers: Orphanet 140162, MedGen C0027672, MeSH D009386, MONDO:0015356.

Submission:

Ambry Genetics
Classification: Pathogenic for Hereditary cancer-predisposing syndrome. Last evaluated: 2019-05-28. Review status: criteria provided, single submitter. Criteria: Ambry Variant Classification Scheme 2023. Collection method: clinical testing. Allele origin: germline.
Comment: The p.S700* pathogenic mutation (also known as c.2099C>G), located in coding exon 5 of the PALB2 gene, results from a C to G substitution at nucleotide position 2099. This changes the amino acid from a serine to a stop codon within coding exon 5. This alteration is expected to result in loss of function by premature protein truncation or nonsense-mediated mRNA decay. As such, this alteration is interpreted as a disease-causing mutation.

NM_024675.4(PALB2):c.2099C>G (p.Ser700Ter)

Gene: PALB2 (partner and localizer of BRCA2; minus strand). Cytogenetic location: 16p12.2.
Variant type: single nucleotide variant.
Coding change: c.2099C>G on transcript NM_024675.4 (MANE Select); coding-DNA position 2099, C replaced by G.
Protein change: p.Ser700Ter; replaces serine 700 with a stop codon.
Molecular consequence: nonsense.
Genome position (GRCh38, 1-based): chr16:23,630,055, G>C on the plus strand (C>G on the coding strand, the complement: PALB2 is on the minus strand). VCF-style: chr16-23630055-G-C. GRCh37 (hg19) VCF-style: chr16-23641376-G-C.
Other names: short protein forms S700*.
Identifiers: ClinVar variation 820710 (VCV000820710.4), dbSNP rs1597090146, ClinGen allele CA395125797.